The following is an entry in ClinVar:

NM_002292.4(LAMB2):c.261G>C (p.Lys87Asn)

Gene: LAMB2 (laminin subunit beta 2; minus strand). Cytogenetic location: 3p21.31.
Variant type: single nucleotide variant.
Coding change: c.261G>C on transcript NM_002292.4 (MANE Select); coding-DNA position 261, G replaced by C.
Protein change: p.Lys87Asn; replaces lysine 87 with asparagine.
Molecular consequence: missense variant.
Genome position (GRCh38, 1-based): chr3:49,132,394, C>G on the plus strand (G>C on the coding strand, the complement: LAMB2 is on the minus strand). VCF-style: chr3-49132394-C-G. GRCh37 (hg19) VCF-style: chr3-49169827-C-G.
Other names: short protein forms K87N.
Identifiers: ClinVar variation 663062 (VCV000663062.9), dbSNP rs149408554, ClinGen allele CA2394975.

ClinVar aggregate classification (germline): Uncertain significance. Review status: criteria provided, multiple submitters, no conflicts (2 of 4 stars). 4 submissions from 4 submitters: Uncertain significance (4). Last evaluated 2022-08-23.

Conditions:
Pierson syndrome. Also called: MICROCORIA-CONGENITAL NEPHROTIC SYNDROME. Identifiers: Orphanet 2670, MedGen C1836876, MONDO:0012184, OMIM 609049.
LAMB2-related infantile-onset nephrotic syndrome. Also called: NEPHROTIC SYNDROME, TYPE 5, WITHOUT OCULAR ABNORMALITIES; NEPHROTIC SYNDROME, TYPE 5, WITH OCULAR ABNORMALITIES; Nephrotic Syndrome, type 5. Identifiers: Orphanet 306507, MedGen C3280113, MONDO:0013621, OMIM 614199.
Inborn genetic diseases. Identifiers: MedGen C0950123, MeSH D030342.

Allele frequency attached by ClinVar (database versions not stated): TOPMed 0.00006.
gnomAD v4.1: 106 of 1,614,122 alleles (0.0066%); highest among the groups gnomAD compares: Non-Finnish European, 0.008%; no homozygotes.

Submissions (4):

Labcorp Genetics (formerly Invitae), Labcorp
Classification: Uncertain significance for LAMB2-related infantile-onset nephrotic syndrome; Pierson syndrome. Last evaluated: 2022-08-23. Review status: criteria provided, single submitter. Criteria: Invitae Variant Classification Sherloc (09022015). Collection method: clinical testing. Allele origin: germline.
Comment: In summary, the available evidence is currently insufficient to determine the role of this variant in disease. Therefore, it has been classified as a Variant of Uncertain Significance. Algorithms developed to predict the effect of missense changes on protein structure and function (SIFT, PolyPhen-2, Align-GVGD) all suggest that this variant is likely to be disruptive. ClinVar contains an entry for this variant (Variation ID: 663062). This variant has not been reported in the literature in individuals affected with LAMB2-related conditions. This variant is present in population databases (rs149408554, gnomAD 0.009%). This sequence change replaces lysine, which is basic and polar, with asparagine, which is neutral and polar, at codon 87 of the LAMB2 protein (p.Lys87Asn).

Ambry Genetics
Classification: Uncertain significance for Inborn genetic diseases. Last evaluated: 2021-08-13. Review status: criteria provided, single submitter. Criteria: Ambry Variant Classification Scheme 2023. Collection method: clinical testing. Allele origin: germline.

Fulgent Genetics
Classification: Uncertain significance for Pierson syndrome; LAMB2-related infantile-onset nephrotic syndrome. Last evaluated: 2021-07-29. Review status: criteria provided, single submitter. Criteria: ACMG Guidelines, 2015. Collection method: clinical testing. Allele origin: unknown.

GeneDx
Classification: Uncertain significance. Last evaluated: 2019-12-20. Review status: criteria provided, single submitter. Criteria: GeneDx Variant Classification Process June 2021. Collection method: clinical testing. Allele origin: germline. Affected: yes.
Comment: In silico analysis, which includes protein predictors and evolutionary conservation, supports a deleterious effect; Has not been previously published as pathogenic or benign to our knowledge